The following is an entry in ClinVar:

ClinVar aggregate classification (germline): Uncertain significance (1 of 4 stars; one submission).

Submission:

Greenwood Genetic Center Diagnostic Laboratories, Greenwood Genetic Center
Classification: Uncertain significance. Last evaluated: 2024-02-07. Review status: criteria provided, single submitter. Criteria: ACMG Guidelines, 2015. Collection method: clinical testing. Allele origin: germline. Affected: yes.
Comment: Gene of Uncertain Significance

NM_001257.5(CDH13):c.865C>T (p.Gln289Ter)

Gene: CDH13 (cadherin 13; plus strand). Cytogenetic location: 16q23.3.
Variant type: single nucleotide variant.
Coding change: c.865C>T on transcript NM_001257.5 (MANE Select); coding-DNA position 865, C replaced by T.
Protein change: p.Gln289Ter; replaces glutamine 289 with a stop codon.
Molecular consequence: nonsense.
Genome position (GRCh38, 1-based): chr16:83,486,560, C>T. VCF-style: chr16-83486560-C-T. GRCh37 (hg19) VCF-style: chr16-83520165-C-T.
Other names: c.1006C>T, p.Gln336Ter (NM_001220488.2); c.748C>T, p.Gln250Ter (NM_001220489.2); c.103C>T, p.Gln35Ter (NM_001220490.2); short protein forms Q250*, Q289*, Q336*, Q35*.
Identifiers: ClinVar variation 3235724 (VCV003235724.1), dbSNP rs2507462658, ClinGen allele CA397170732.